The following is an entry in ClinVar:

NM_005732.4(RAD50):c.934C>T (p.Gln312Ter)

Gene: RAD50 (RAD50 double strand break repair protein; plus strand). Cytogenetic location: 5q31.1.
Variant type: single nucleotide variant.
Coding change: c.934C>T on transcript NM_005732.4 (MANE Select); coding-DNA position 934, C replaced by T.
Protein change: p.Gln312Ter; replaces glutamine 312 with a stop codon.
Molecular consequence: nonsense.
Genome position (GRCh38, 1-based): chr5:132,587,972, C>T. VCF-style: chr5-132587972-C-T. GRCh37 (hg19) VCF-style: chr5-131923664-C-T.
Other names: short protein forms Q312*.
Identifiers: ClinVar variation 965385 (VCV000965385.8), dbSNP rs1240269505, ClinGen allele CA360940981.

ClinVar aggregate classification (germline): Pathogenic (1 of 4 stars; one submission).

Conditions:
Hereditary cancer-predisposing syndrome. Also called: Hereditary neoplastic syndrome; Neoplastic Syndromes, Hereditary; Hereditary Cancer Syndrome; Tumor predisposition. Identifiers: Orphanet 140162, MedGen C0027672, MeSH D009386, MONDO:0015356.

Allele frequency attached by ClinVar (database versions not stated): TOPMed below 0.00001.

Submission:

Labcorp Genetics (formerly Invitae), Labcorp
Classification: Pathogenic for Hereditary cancer-predisposing syndrome. Last evaluated: 2022-08-21. Review status: criteria provided, single submitter. Criteria: Invitae Variant Classification Sherloc (09022015). Collection method: clinical testing. Allele origin: germline.
Comment: For these reasons, this variant has been classified as Pathogenic. ClinVar contains an entry for this variant (Variation ID: 965385). This variant has not been reported in the literature in individuals affected with RAD50-related conditions. This variant is not present in population databases (gnomAD no frequency). This sequence change creates a premature translational stop signal (p.Gln312*) in the RAD50 gene. It is expected to result in an absent or disrupted protein product. Loss-of-function variants in RAD50 are known to be pathogenic (PMID: 19409520).

Literature cited by the submitters: PubMed 19409520.